The following is an entry in ClinVar:

ClinVar aggregate classification (germline): Uncertain significance (1 of 4 stars; one submission).

Conditions:
Joubert syndrome 23 (JBTS23). Identifiers: Orphanet 475, MedGen C4084822, MONDO:0014664, OMIM 616490.
Short-rib thoracic dysplasia 14 with polydactyly (SRTD14). Identifiers: Orphanet 397715, MedGen C4225286, MONDO:0014688, OMIM 616546.

Allele frequency attached by ClinVar (database versions not stated): gnomAD exomes below 0.00001; ExAC 0.00001.
gnomAD v4.1: 1 of 1,567,780 alleles (0.000064%); highest among the groups gnomAD compares: East Asian, 0.0022%; no homozygotes.

Submission:

Labcorp Genetics (formerly Invitae), Labcorp
Classification: Uncertain significance for Joubert syndrome 23; Short-rib thoracic dysplasia 14 with polydactyly. Last evaluated: 2022-01-07. Review status: criteria provided, single submitter. Criteria: Invitae Variant Classification Sherloc (09022015). Collection method: clinical testing. Allele origin: germline.
Comment: In summary, the available evidence is currently insufficient to determine the role of this variant in disease. Therefore, it has been classified as a Variant of Uncertain Significance. Algorithms developed to predict the effect of missense changes on protein structure and function (SIFT, PolyPhen-2, Align-GVGD) all suggest that this variant is likely to be tolerated. This variant has not been reported in the literature in individuals affected with KIAA0586-related conditions. This variant is present in population databases (rs770383549, gnomAD 0.006%). This sequence change replaces glutamine, which is neutral and polar, with arginine, which is basic and polar, at codon 124 of the KIAA0586 protein (p.Gln124Arg).

NM_001329943.3(KIAA0586):c.335A>G (p.Gln112Arg)

Gene: KIAA0586 (KIAA0586; plus strand). Cytogenetic location: 14q23.1.
Variant type: single nucleotide variant.
Coding change: c.335A>G on transcript NM_001329943.3 (MANE Select); coding-DNA position 335, A replaced by G.
Protein change: p.Gln112Arg; replaces glutamine 112 with arginine.
Molecular consequence: missense variant.
Genome position (GRCh38, 1-based): chr14:58,430,712, A>G. VCF-style: chr14-58430712-A-G. GRCh37 (hg19) VCF-style: chr14-58897430-A-G.
Other names: c.371A>G, p.Gln124Arg (NM_001244189.2); c.290A>G, p.Gln97Arg (NM_001244190.2); c.80A>G, p.Gln27Arg (NM_001244191.2, NM_001244192.2, NM_001329945.2 and 2 more transcripts); c.335A>G, p.Gln112Arg (NM_001329944.2, NM_001329946.2, NM_001329947.2 and 1 more transcripts); short protein forms Q27R, Q97R, Q124R, Q112R.
Identifiers: ClinVar variation 1940774 (VCV001940774.5), dbSNP rs770383549, ClinGen allele CA7205331.
Genomic context (GRCh38, chr14:58,430,712, plus strand): 5'-TTTCTAAAGACGTTGCAGTGCAAGTGTTGCCTTTGGATAAAATAGAAGAGAACAACAAGC[A>G]AAAAGGTAAAAGAATAATATTGATTTTTTTAAATTGTGACAACATATACATAACATAAAG-3'
Protein context (NP_001316872.1, residues 102-122): PLDKIEENNK[Gln112Arg]KANDIFISQY